The following is an entry in ClinVar:

ClinVar aggregate classification (germline): Uncertain significance (1 of 4 stars; one submission).

gnomAD v4.1: 1 of 1,612,138 alleles (0.000062%); highest among the groups gnomAD compares: Non-Finnish European, 0.000085%; no homozygotes.

Submission:

Labcorp Genetics (formerly Invitae), Labcorp
Classification: Uncertain significance. Last evaluated: 2024-07-11. Review status: criteria provided, single submitter. Criteria: Invitae Variant Classification Sherloc (09022015). Collection method: clinical testing. Allele origin: germline.
Comment: This sequence change replaces isoleucine, which is neutral and non-polar, with valine, which is neutral and non-polar, at codon 525 of the COL9A2 protein (p.Ile525Val). This variant is not present in population databases (gnomAD no frequency). This variant has not been reported in the literature in individuals affected with COL9A2-related conditions. Advanced modeling of protein sequence and biophysical properties (such as structural, functional, and spatial information, amino acid conservation, physicochemical variation, residue mobility, and thermodynamic stability) performed at Invitae indicates that this missense variant is not expected to disrupt COL9A2 protein function with a negative predictive value of 95%. In summary, the available evidence is currently insufficient to determine the role of this variant in disease. Therefore, it has been classified as a Variant of Uncertain Significance.

NM_001852.4(COL9A2):c.1573A>G (p.Ile525Val)

Gene: COL9A2 (collagen type IX alpha 2 chain; minus strand). Cytogenetic location: 1p34.2.
Variant type: single nucleotide variant.
Coding change: c.1573A>G on transcript NM_001852.4 (MANE Select); coding-DNA position 1573, A replaced by G.
Protein change: p.Ile525Val; replaces isoleucine 525 with valine.
Molecular consequence: missense variant.
Genome position (GRCh38, 1-based): chr1:40,303,161, T>C on the plus strand (A>G on the coding strand, the complement: COL9A2 is on the minus strand). VCF-style: chr1-40303161-T-C. GRCh37 (hg19) VCF-style: chr1-40768833-T-C.
Other names: short protein forms I525V.
Identifiers: ClinVar variation 3633529 (VCV003633529.2).